The following is an entry in ClinVar:

ClinVar aggregate classification (germline): Uncertain significance (1 of 4 stars; one submission).

Conditions:
Ritscher-Schinzel syndrome. Also called: CRANIOCEREBELLOCARDIAC DYSPLASIA. Identifiers: Orphanet 7, MedGen C0796137, MONDO:0019078.
Hereditary spastic paraplegia 8 (SPG8). Also called: SPASTIC PARAPLEGIA 8, AUTOSOMAL DOMINANT. Identifiers: Orphanet 100989, MedGen C1863704, MONDO:0011339, OMIM 603563.

gnomAD v4.1: 5 of 1,606,772 alleles (0.00031%); highest among the groups gnomAD compares: African/African-American, 0.0013%; no homozygotes.

Submission:

Labcorp Genetics (formerly Invitae), Labcorp
Classification: Uncertain significance for Ritscher-Schinzel syndrome; Hereditary spastic paraplegia 8. Last evaluated: 2024-05-08. Review status: criteria provided, single submitter. Criteria: Invitae Variant Classification Sherloc (09022015). Collection method: clinical testing. Allele origin: germline.
Comment: This sequence change replaces glycine, which is neutral and non-polar, with glutamic acid, which is acidic and polar, at codon 295 of the WASHC5 protein (p.Gly295Glu). This variant is present in population databases (rs750359176, gnomAD 0.0009%). This variant has not been reported in the literature in individuals affected with WASHC5-related conditions. Advanced modeling of protein sequence and biophysical properties (such as structural, functional, and spatial information, amino acid conservation, physicochemical variation, residue mobility, and thermodynamic stability) performed at Invitae indicates that this missense variant is expected to disrupt WASHC5 protein function with a positive predictive value of 80%. In summary, the available evidence is currently insufficient to determine the role of this variant in disease. Therefore, it has been classified as a Variant of Uncertain Significance.

NM_014846.4(WASHC5):c.884G>A (p.Gly295Glu)

Gene: WASHC5 (WASH complex subunit 5; minus strand). Cytogenetic location: 8q24.13.
Variant type: single nucleotide variant.
Coding change: c.884G>A on transcript NM_014846.4 (MANE Select); coding-DNA position 884, G replaced by A.
Protein change: p.Gly295Glu; replaces glycine 295 with glutamic acid.
Molecular consequence: missense variant.
Genome position (GRCh38, 1-based): chr8:125,075,092, C>T on the plus strand (G>A on the coding strand, the complement: WASHC5 is on the minus strand). VCF-style: chr8-125075092-C-T. GRCh37 (hg19) VCF-style: chr8-126087334-C-T.
Other names: c.440G>A, p.Gly147Glu (NM_001330609.2); short protein forms G147E, G295E.
Identifiers: ClinVar variation 3763205 (VCV003763205.2).